The following is an entry in ClinVar:

NM_024675.4(PALB2):c.3396G>C (p.Leu1132Phe)

Gene: PALB2 (partner and localizer of BRCA2; minus strand). Cytogenetic location: 16p12.2.
Variant type: single nucleotide variant.
Coding change: c.3396G>C on transcript NM_024675.4 (MANE Select); coding-DNA position 3396, G replaced by C.
Protein change: p.Leu1132Phe; replaces leucine 1132 with phenylalanine.
Molecular consequence: missense variant. On other transcripts: 3 prime UTR variant (5).
Genome position (GRCh38, 1-based): chr16:23,603,624, C>G on the plus strand (G>C on the coding strand, the complement: PALB2 is on the minus strand). VCF-style: chr16-23603624-C-G. GRCh37 (hg19) VCF-style: chr16-23614945-C-G.
Other names: c.3336G>C, p.Leu1112Phe (NM_001407296.1); c.3324G>C, p.Leu1108Phe (NM_001407297.1); c.3234G>C, p.Leu1078Phe (NM_001407298.1); c.3159G>C, p.Leu1053Phe (NM_001407299.1); c.3117G>C, p.Leu1039Phe (NM_001407300.1); c.*31G>C (NM_001407301.1, NM_001407302.1, NM_001407310.1 and 2 more transcripts); c.2511G>C, p.Leu837Phe (NM_001407304.1, NM_001407305.1, NM_001407306.1); c.2349G>C, p.Leu783Phe (NM_001407307.1); and 3 more; short protein forms L1078F, L1039F, L1132F, L310F, L536F, L837F, L1053F, L1108F.
Identifiers: ClinVar variation 3413488 (VCV003413488.1).

ClinVar aggregate classification (germline): Uncertain significance (1 of 4 stars; one submission).

Conditions:
Hereditary cancer-predisposing syndrome. Also called: Neoplastic Syndromes, Hereditary; Tumor predisposition; Hereditary Cancer Syndrome; Hereditary neoplastic syndrome. Identifiers: Orphanet 140162, MedGen C0027672, MeSH D009386, MONDO:0015356.

Submission:

Ambry Genetics
Classification: Uncertain significance for Hereditary cancer-predisposing syndrome. Last evaluated: 2024-10-25. Review status: criteria provided, single submitter. Criteria: Ambry Variant Classification Scheme 2023. Collection method: clinical testing. Allele origin: germline.
Comment: The p.L1132F variant (also known as c.3396G>C), located in coding exon 13 of the PALB2 gene, results from a G to C substitution at nucleotide position 3396. The leucine at codon 1132 is replaced by phenylalanine, an amino acid with highly similar properties. This amino acid position is conserved. In addition, this alteration is predicted to be tolerated by in silico analysis. Based on the available evidence, the clinical significance of this variant remains unclear.